The following is an entry in ClinVar:

ClinVar aggregate classification (germline): Uncertain significance (1 of 4 stars; one submission).

Conditions:
Cardiovascular phenotype. Identifiers: MedGen CN230736.

Submission:

Ambry Genetics
Classification: Uncertain significance for Cardiovascular phenotype. Last evaluated: 2024-02-15. Review status: criteria provided, single submitter. Criteria: Ambry Variant Classification Scheme 2023. Collection method: clinical testing. Allele origin: germline.
Comment: The c.130-2A>T intronic variant results from an A to T substitution two nucleotides upstream from coding exon 2 in the ACTC1 gene. This nucleotide position is highly conserved in available vertebrate species. In silico splice site analysis predicts that this alteration will weaken the native splice acceptor site and will result in the creation or strengthening of a novel splice acceptor site. Alterations that disrupt the canonical splice site are expected to cause aberrant splicing, resulting in an abnormal protein or a transcript that is subject to nonsense-mediated mRNA decay. However, loss of function of ACTC1 has not been established as a mechanism of disease. Based on the available evidence, the clinical significance of this alteration remains unclear.

NM_005159.5(ACTC1):c.130-2A>T

Genes: ACTC1 (actin alpha cardiac muscle 1; minus strand), GJD2-DT (GJD2 divergent transcript; plus strand). Cytogenetic location: 15q14.
Variant type: single nucleotide variant.
Coding change: c.130-2A>T on transcript NM_005159.5 (MANE Select); the canonical splice acceptor site of the intron before coding-DNA position 130, A replaced by T.
Molecular consequence: splice acceptor variant.
Genome position (GRCh38, 1-based): chr15:34,793,571, T>A on the plus strand (A>T on the coding strand, the complement: ACTC1 is on the minus strand). VCF-style: chr15-34793571-T-A. GRCh37 (hg19) VCF-style: chr15-35085772-T-A.
Other names: c.130-2A>T (NM_001406483.1, NM_001406482.1); c.-259-2A>T (NM_001406485.1); c.-6-2A>T (NM_001406484.1).
Identifiers: ClinVar variation 3224599 (VCV003224599.1), dbSNP rs2504183463, ClinGen allele CA391632320.